The following is an entry in ClinVar:

ClinVar aggregate classification (germline): Uncertain significance (1 of 4 stars; one submission).

Conditions:
Inborn genetic diseases. Identifiers: MedGen C0950123, MeSH D030342.

Allele frequency attached by ClinVar (database versions not stated): gnomAD exomes below 0.00001.
gnomAD v4.1: 1 of 1,614,166 alleles (0.000062%); highest among the groups gnomAD compares: Non-Finnish European, 0.000085%; no homozygotes.

Submission:

Ambry Genetics
Classification: Uncertain significance for Inborn genetic diseases. Last evaluated: 2022-05-24. Review status: criteria provided, single submitter. Criteria: Ambry Variant Classification Scheme 2023. Collection method: clinical testing. Allele origin: germline.
Comment: The p.G34R variant (also known as c.100G>A), located in coding exon 2 of the MDH2 gene, results from a G to A substitution at nucleotide position 100. The glycine at codon 34 is replaced by arginine, an amino acid with dissimilar properties. This amino acid position is conserved. In addition, this alteration is predicted to be deleterious by in silico analysis. Since supporting evidence is limited at this time, the clinical significance of this alteration remains unclear.

NM_005918.4(MDH2):c.100G>A (p.Gly34Arg)

Gene: MDH2 (malate dehydrogenase 2; plus strand). Cytogenetic location: 7q11.23.
Variant type: single nucleotide variant.
Coding change: c.100G>A on transcript NM_005918.4 (MANE Select); coding-DNA position 100, G replaced by A.
Protein change: p.Gly34Arg; replaces glycine 34 with arginine.
Molecular consequence: missense variant. On other transcripts: intron variant (1).
Genome position (GRCh38, 1-based): chr7:76,054,863, G>A. VCF-style: chr7-76054863-G-A. GRCh37 (hg19) VCF-style: chr7-75684181-G-A.
Other names: c.100G>A, p.Gly34Arg (NM_001282403.2); c.-86-2547G>A (NM_001282404.2); short protein forms G34R.
Identifiers: ClinVar variation 1796984 (VCV001796984.2), dbSNP rs2535852625, ClinGen allele CA367762175.